The following is an entry in ClinVar:

ClinVar aggregate classification (germline): Uncertain significance. Review status: criteria provided, multiple submitters, no conflicts (2 of 4 stars). 3 submissions from 3 submitters: Uncertain significance (3). Last evaluated 2024-09-27.

Conditions:
Inborn genetic diseases. Identifiers: MedGen C0950123, MeSH D030342.

Allele frequency attached by ClinVar (database versions not stated): gnomAD exomes 0.00004 and 0.00008; ExAC 0.00010; gnomAD 0.00032; TOPMed 0.00033; 1000 Genomes Project 30x 0.00047; 1000 Genomes Project 0.00040; ESP Exome Variant Server 0.00046.
gnomAD v4.1: 103 of 1,613,302 alleles (0.0064%); highest among the groups gnomAD compares: African/African-American, 0.1%; no homozygotes.

Submissions (4):

Ambry Genetics
Classification: Uncertain significance for Inborn genetic diseases. Last evaluated: 2024-09-27. Review status: criteria provided, single submitter. Criteria: Ambry Variant Classification Scheme 2023. Collection method: clinical testing. Allele origin: germline.

CeGaT Center for Human Genetics Tuebingen
Classification: Uncertain significance. Last evaluated: 2024-06-01. Review status: criteria provided, single submitter. Criteria: CeGaT Center For Human Genetics Tuebingen Variant Classification Criteria Version 2. Collection method: clinical testing. Allele origin: germline. Affected: yes. Observed: 1 variant allele.
Comment: TRAK1: PM2

Greenwood Genetic Center Diagnostic Laboratories, Greenwood Genetic Center
Classification: Uncertain significance. Last evaluated: 2020-11-09. Review status: criteria provided, single submitter. Criteria: ACMG Guidelines, 2015. Collection method: clinical testing. Allele origin: germline. Affected: yes.
Comment: PM2

Dr. Peter K. Rogan Lab, Western University
No classification provided (evidence only). Condition: Acute myeloid leukemia. Review status: no classification provided. Collection method: in vitro. Allele origin: not applicable. Functional consequence: retained intron. Not counted in ClinVar's aggregate classification.

NM_001042646.3(TRAK1):c.1672G>A (p.Gly558Ser)

Gene: TRAK1 (trafficking kinesin protein 1; plus strand). Cytogenetic location: 3p22.1.
Variant type: single nucleotide variant.
Coding change: c.1672G>A on transcript NM_001042646.3 (MANE Select); coding-DNA position 1672, G replaced by A.
Protein change: p.Gly558Ser; replaces glycine 558 with serine.
Molecular consequence: missense variant. On other transcripts: non-coding transcript variant (1).
Genome position (GRCh38, 1-based): chr3:42,202,680, G>A. VCF-style: chr3-42202680-G-A. GRCh37 (hg19) VCF-style: chr3-42244172-G-A.
Other names: NC_000003.11:g.42244172G>A; c.1672G>A, p.Gly558Ser (NM_001265608.2, NM_001349246.2, NM_001349247.2); c.1450G>A, p.Gly484Ser (NM_001265609.2, NM_001265610.1, NM_001349248.1 and 1 more transcripts); c.1672G>A (NM_001042646.1); c.1360G>A, p.Gly454Ser (NM_001349245.1); c.1498G>A, p.Gly500Ser (NM_014965.5); short protein forms G454S, G484S, G500S, G558S.
Identifiers: ClinVar variation 1331510 (VCV001331510.24), dbSNP rs112579771, ClinGen allele CA2333552.